The following is an entry in ClinVar:

NM_153247.4(SLC29A4):c.957C>T (p.Gly319=)

Gene: SLC29A4 (solute carrier family 29 member 4; plus strand). Cytogenetic location: 7p22.1.
Variant type: single nucleotide variant.
Coding change: c.957C>T on transcript NM_153247.4 (MANE Select); coding-DNA position 957, C replaced by T.
Protein change: p.Gly319=; no amino-acid change (glycine 319 retained).
Molecular consequence: synonymous variant.
Genome position (GRCh38, 1-based): chr7:5,299,062, C>T. VCF-style: chr7-5299062-C-T. GRCh37 (hg19) VCF-style: chr7-5338693-C-T.
Other names: NC_000007.13:g.5338693C>T; c.957C>T, p.Gly319= (NM_001040661.3); c.915C>T, p.Gly305= (NM_001300847.3).
Identifiers: ClinVar variation 3056081 (VCV003056081.3), dbSNP rs11761173, ClinGen allele CA4142718.
Genomic context (GRCh38, chr7:5,299,062, plus strand): 5'-GGCCCTGGCCCCCAACGAGTCCCCAAAGGACAGCCCAGCCCACGAGGTGACCGGCAGCGG[C>T]GGGGCCTACATGCGCTTTGATGTGCCGCGGCCAAGGGTCCAGCGCAGCTGGCCCACCTTC-3'
Protein context (NP_694979.2, residues 309-329): DSPAHEVTGS[Gly319=]GAYMRFDVPR

ClinVar aggregate classification (germline): Benign (0 of 4 stars; one submission).

Conditions:
SLC29A4-related disorder. Also called: SLC29A4-related condition.

Allele frequency attached by ClinVar (database versions not stated): 1000 Genomes Project 0.02336; 1000 Genomes Project 30x 0.02498; TOPMed 0.05284; gnomAD exomes 0.08117; gnomAD 0.05564; ExAC 0.06186; ESP Exome Variant Server 0.06670.
gnomAD v4.1: 126,067 of 1,611,180 alleles (7.8%); highest among the groups gnomAD compares: Non-Finnish European, 9.5%; 5,828 homozygotes.

Submissions (9):

PreventionGenetics, part of Exact Sciences
Classification: Benign for SLC29A4-related condition. Last evaluated: 2019-11-25. Review status: no assertion criteria provided. Collection method: clinical testing. Allele origin: germline.
Comment: This variant is classified as benign based on ACMG/AMP sequence variant interpretation guidelines (Richards et al. 2015 PMID: 25741868, with internal and published modifications).

Dr. Peter K. Rogan Lab, Western University
No classification provided (evidence only). Condition: Colorectal cancer. Review status: no classification provided. Collection method: in vitro. Allele origin: not applicable. Functional consequence: retained intron. Not counted in ClinVar's aggregate classification.

Dr. Peter K. Rogan Lab, Western University
No classification provided (evidence only). Condition: Colorectal cancer. Review status: no classification provided. Collection method: in vitro. Allele origin: not applicable. Functional consequence: retained intron. Not counted in ClinVar's aggregate classification.

Dr. Peter K. Rogan Lab, Western University
No classification provided (evidence only). Condition: Uterine corpus endometrial carcinoma. Review status: no classification provided. Collection method: in vitro. Allele origin: not applicable. Functional consequence: retained intron. Not counted in ClinVar's aggregate classification.

Dr. Peter K. Rogan Lab, Western University
No classification provided (evidence only). Condition: Uterine corpus endometrial carcinoma. Review status: no classification provided. Collection method: in vitro. Allele origin: not applicable. Functional consequence: retained intron. Not counted in ClinVar's aggregate classification.

Dr. Peter K. Rogan Lab, Western University
No classification provided (evidence only). Condition: Uterine corpus endometrial carcinoma. Review status: no classification provided. Collection method: in vitro. Allele origin: not applicable. Functional consequence: retained intron. Not counted in ClinVar's aggregate classification.

Dr. Peter K. Rogan Lab, Western University
No classification provided (evidence only). Condition: Thymoma. Review status: no classification provided. Collection method: in vitro. Allele origin: not applicable. Functional consequence: retained intron. Not counted in ClinVar's aggregate classification.

Dr. Peter K. Rogan Lab, Western University
No classification provided (evidence only). Condition: Uterine carcinosarcoma. Review status: no classification provided. Collection method: in vitro. Allele origin: not applicable. Functional consequence: retained intron. Not counted in ClinVar's aggregate classification.

Dr. Peter K. Rogan Lab, Western University
No classification provided (evidence only). Condition: Uterine carcinosarcoma. Review status: no classification provided. Collection method: in vitro. Allele origin: not applicable. Functional consequence: retained intron. Not counted in ClinVar's aggregate classification.